The following is an entry in ClinVar:

NM_000051.4(ATM):c.4910-362_4960delinsCCACAGTGTTGGATAAC

Gene: ATM (ATM serine/threonine kinase; plus strand). Cytogenetic location: 11q22.3.
Variant type: Indel.
Coding change: c.4910-362_4960delinsCCACAGTGTTGGATAAC on transcript NM_000051.4 (MANE Select); 362 bases into the intron before coding-DNA position 4910 through coding-DNA position 4960, the reference bases replaced by CCACAGTGTTGGATAAC.
Molecular consequence: splice acceptor variant.
Genome position (GRCh38, 1-based): chr11:108,296,925-108,297,337, 413 bases replaced. GRCh37 (hg19): chr11:108,167,652-108,168,064.
Other names: c.4910-362_4960delinsCCACAGTGTTGGATAAC (NM_001351834.2).
Identifiers: ClinVar variation 1071401 (VCV001071401.8), dbSNP rs2135857103, ClinGen allele CA2499220647.

ClinVar aggregate classification (germline): Pathogenic (1 of 4 stars; one submission).

Conditions:
Ataxia-telangiectasia syndrome (AT). Also called: LOUIS-BAR SYNDROME; Ataxia-telangiectasia, complementation group D; AT, COMPLEMENTATION GROUP C; Cerebello-oculocutaneous telangiectasia; Immunodeficiency with ataxia telangiectasia; ATAXIA-TELANGIECTASIA, COMPLEMENTATION GROUP A. Identifiers: Orphanet 100, MedGen C0004135, MONDO:0008840, OMIM 208900.

Submission:

Labcorp Genetics (formerly Invitae), Labcorp
Classification: Pathogenic for Ataxia-telangiectasia syndrome. Last evaluated: 2017-11-07. Review status: criteria provided, single submitter. Criteria: Invitae Variant Classification Sherloc (09022015). Collection method: clinical testing. Allele origin: germline.
Comment: For these reasons, this variant has been classified as Pathogenic. While this particular variant has not been reported in the literature, loss-of-function variants including gross deletion insertions in ATM are known to be pathogenic (PMID: 25614872, 23807571). This variant is a gross deletion insertion of the genomic region encompassing part of exon 33 of the ATM gene, including the intron 32-exon 33 boundary (c.4910-362_4960delinsCCACAGTGTTGGATAAC). This likely creates a premature translational stop signal and is expected to result in an absent or disrupted protein product.

Literature cited by the submitters: PubMed 25614872; PubMed 23807571.